The following is an entry in ClinVar:

ClinVar aggregate classification (germline): Uncertain significance. Review status: criteria provided, multiple submitters, no conflicts (2 of 4 stars). 3 submissions from 3 submitters: Uncertain significance (2). 1 of the submissions does not count toward it. Last evaluated 2024-11-27.

Conditions:
TH-deficient dopa-responsive dystonia. Also called: Tyrosine Hydroxylase-Deficient Dopa-Responsive Dystonia; DYT-TH; Segawa syndrome, autosomal recessive. Identifiers: Orphanet 101150, MedGen C2673535, MONDO:0011551, OMIM 605407.

Allele frequency attached by ClinVar (database versions not stated): TOPMed below 0.00001; ExAC below 0.00001; gnomAD exomes 0.00001.
gnomAD v4.1: 11 of 1,589,648 alleles (0.00069%); highest among the groups gnomAD compares: Non-Finnish European, 0.00094%; no homozygotes.

Submissions (3):

Women's Health and Genetics/Laboratory Corporation of America, LabCorp
Classification: Uncertain significance. Last evaluated: 2024-11-27. Review status: criteria provided, single submitter. Criteria: LabCorp Variant Classification Summary - May 2015. Collection method: clinical testing. Allele origin: germline.
Comment: Variant summary: TH c.826A>C (p.Thr276Pro) results in a non-conservative amino acid change in the encoded protein sequence. Three of three in-silico tools predict a damaging effect of the variant on protein function. The variant allele was found at a frequency of 1.5e-05 in 205448 control chromosomes (gnomAD). The available data on variant occurrences in the general population are insufficient to allow any conclusion about variant significance. c.826A>C has been reported in the literature in individuals affected with features of Segawa Syndrome, Autosomal Recessive (Swaans_2000). These data do not allow any conclusion about variant significance. Publications reports experimental evidence evaluating an impact on protein function (Fossbakk_2014, Jung-Klawitter_2024), however, do not allow convincing conclusions about the variant effect. The following publications have been ascertained in the context of this evaluation (PMID: 11246459, 24753243, 38084654). ClinVar contains an entry for this variant (Variation ID: 12329). Based on the evidence outlined above, the variant was classified as uncertain significance.

Labcorp Genetics (formerly Invitae), Labcorp
Classification: Uncertain significance for TH-deficient dopa-responsive dystonia. Last evaluated: 2022-08-09. Review status: criteria provided, single submitter. Criteria: Invitae Variant Classification Sherloc (09022015). Collection method: clinical testing. Allele origin: germline.
Comment: This sequence change replaces threonine, which is neutral and polar, with proline, which is neutral and non-polar, at codon 276 of the TH protein (p.Thr276Pro). This variant is present in population databases (rs28934581, gnomAD 0.003%). This missense change has been observed in individual(s) with infantile parkinsonism (PMID: 11246459). This variant is also known as p.Thr276Pro. ClinVar contains an entry for this variant (Variation ID: 12329). Advanced modeling of protein sequence and biophysical properties (such as structural, functional, and spatial information, amino acid conservation, physicochemical variation, residue mobility, and thermodynamic stability) performed at Invitae indicates that this missense variant is expected to disrupt TH protein function. Experimental studies are conflicting or provide insufficient evidence to determine the effect of this variant on TH function (PMID: 22583432, 24753243). In summary, the available evidence is currently insufficient to determine the role of this variant in disease. Therefore, it has been classified as a Variant of Uncertain Significance.

OMIM
Classification: Pathogenic for SEGAWA SYNDROME, AUTOSOMAL RECESSIVE. Last evaluated: 2000-01-01. Review status: no assertion criteria provided. Collection method: literature only. Allele origin: germline. Not counted in ClinVar's aggregate classification.

Literature cited by the submitters: PubMed 24753243 (cited by Women's Health and Genetics/Laboratory Corporation of America, LabCorp and Labcorp Genetics (formerly Invitae), Labcorp); PubMed 38084654 (cited by Women's Health and Genetics/Laboratory Corporation of America, LabCorp); PubMed 11246459 (cited by 3 submitters); PubMed 22583432 (cited by Labcorp Genetics (formerly Invitae), Labcorp).

NM_000360.4(TH):c.733A>C (p.Thr245Pro)

Gene: TH (tyrosine hydroxylase; minus strand). Cytogenetic location: 11p15.5.
Variant type: single nucleotide variant.
Coding change: c.733A>C on transcript NM_000360.4 (MANE Select); coding-DNA position 733, A replaced by C.
Protein change: p.Thr245Pro; replaces threonine 245 with proline.
Molecular consequence: missense variant.
Genome position (GRCh38, 1-based): chr11:2,166,995, T>G on the plus strand (A>C on the coding strand, the complement: TH is on the minus strand). VCF-style: chr11-2166995-T-G. GRCh37 (hg19) VCF-style: chr11-2188225-T-G.
Other names: c.826A>C, p.Thr276Pro (NM_199292.3); c.814A>C, p.Thr272Pro (NM_199293.3); short protein forms T276P, T245P, T272P.
Identifiers: ClinVar variation 12329 (VCV000012329.8), dbSNP rs28934581, ClinGen allele CA278132.